The following is an entry in ClinVar:

ClinVar aggregate classification (germline): Uncertain significance. Review status: criteria provided, multiple submitters, no conflicts (2 of 4 stars). 3 submissions from 3 submitters: Uncertain significance (3). Last evaluated 2024-10-30.

Conditions:
Hereditary cancer-predisposing syndrome. Also called: Hereditary neoplastic syndrome; Tumor predisposition; Hereditary Cancer Syndrome; Neoplastic Syndromes, Hereditary. Identifiers: Orphanet 140162, MedGen C0027672, MeSH D009386, MONDO:0015356.
Familial cancer of breast. Also called: Hereditary breast cancer; hereditary breast carcinoma; BREAST CANCER, FAMILIAL. Identifiers: Orphanet 227535, MedGen C0346153, MONDO:0016419, OMIM 114480. Disease mechanism: loss of function.

Submissions (3):

Labcorp Genetics (formerly Invitae), Labcorp
Classification: Uncertain significance for Familial cancer of breast. Last evaluated: 2024-10-30. Review status: criteria provided, single submitter. Criteria: Invitae Variant Classification Sherloc (09022015). Collection method: clinical testing. Allele origin: germline.
Comment: This sequence change replaces serine, which is neutral and polar, with phenylalanine, which is neutral and non-polar, at codon 31 of the CHEK2 protein (p.Ser31Phe). This variant is not present in population databases (gnomAD no frequency). This variant has not been reported in the literature in individuals affected with CHEK2-related conditions. ClinVar contains an entry for this variant (Variation ID: 491658). An algorithm developed to predict the effect of missense changes on protein structure and function outputs the following: PolyPhen-2: "Benign". The phenylalanine amino acid residue is found in multiple mammalian species, which suggests that this missense change does not adversely affect protein function. In summary, the available evidence is currently insufficient to determine the role of this variant in disease. Therefore, it has been classified as a Variant of Uncertain Significance.

Color Diagnostics, LLC DBA Color Health
Classification: Uncertain significance for Hereditary cancer-predisposing syndrome. Last evaluated: 2023-12-04. Review status: criteria provided, single submitter. Criteria: ACMG Guidelines, 2015. Collection method: clinical testing. Allele origin: germline.
Comment: This missense variant replaces serine with phenylalanine at codon 31 of the CHEK2 protein. Computational prediction suggests that this variant may not impact protein structure and function (internally defined REVEL score threshold <= 0.5, PMID: 27666373). To our knowledge, functional studies have not been reported for this variant. This variant has not been reported in individuals affected with CHEK2-related disorders in the literature. This variant has not been identified in the general population by the Genome Aggregation Database (gnomAD). The available evidence is insufficient to determine the role of this variant in disease conclusively. Therefore, this variant is classified as a Variant of Uncertain Significance.

Ambry Genetics
Classification: Uncertain significance for Hereditary cancer-predisposing syndrome. Last evaluated: 2023-01-12. Review status: criteria provided, single submitter. Criteria: Ambry Variant Classification Scheme 2023. Collection method: clinical testing. Allele origin: germline.
Comment: The p.S31F variant (also known as c.92C>T), located in coding exon 1 of the CHEK2 gene, results from a C to T substitution at nucleotide position 92. The serine at codon 31 is replaced by phenylalanine, an amino acid with highly dissimilar properties. This amino acid position is poorly conserved in available vertebrate species. In addition, this alteration is predicted to be tolerated by in silico analysis. Since supporting evidence is limited at this time, the clinical significance of this alteration remains unclear.

NM_007194.4(CHEK2):c.92C>T (p.Ser31Phe)

Gene: CHEK2 (checkpoint kinase 2; minus strand). Cytogenetic location: 22q12.1.
Variant type: single nucleotide variant.
Coding change: c.92C>T on transcript NM_007194.4 (MANE Select); coding-DNA position 92, C replaced by T.
Protein change: p.Ser31Phe; replaces serine 31 with phenylalanine.
Molecular consequence: missense variant.
Genome position (GRCh38, 1-based): chr22:28,734,630, G>A on the plus strand (C>T on the coding strand, the complement: CHEK2 is on the minus strand). VCF-style: chr22-28734630-G-A. GRCh37 (hg19) VCF-style: chr22-29130618-G-A.
Other names: c.92C>T, p.Ser31Phe (NM_001005735.3, NM_001349956.3, NM_145862.3); c.-686C>T (NM_001257387.3); short protein forms S31F.
Identifiers: ClinVar variation 491658 (VCV000491658.8), dbSNP rs1555932714, ClinGen allele CA411091561.